The following is an entry in ClinVar:

NM_000719.7(CACNA1C):c.4087G>A (p.Val1363Met)

Gene: CACNA1C (calcium voltage-gated channel subunit alpha1 C; plus strand). Cytogenetic location: 12p13.33.
Variant type: single nucleotide variant.
Coding change: c.4087G>A on transcript NM_000719.7 (MANE Select); coding-DNA position 4087, G replaced by A.
Protein change: p.Val1363Met; replaces valine 1363 with methionine.
Molecular consequence: missense variant.
Genome position (GRCh38, 1-based): chr12:2,653,847, G>A. VCF-style: chr12-2653847-G-A. GRCh37 (hg19) VCF-style: chr12-2763013-G-A.
Other names: c.4231G>A, p.Val1411Met (NM_001129827.2, NM_199460.4); c.4153G>A, p.Val1385Met (NM_001129829.2); c.4087G>A, p.Val1363Met (NM_001129830.3, NM_001129833.2, NM_001129834.2 and 7 more transcripts); c.4171G>A, p.Val1391Met (NM_001129831.2); c.4147G>A, p.Val1383Met (NM_001129832.2); c.4138G>A, p.Val1380Met (NM_001129836.2); c.4054G>A, p.Val1352Met (NM_001129837.2, NM_001129838.2, NM_001129846.2 and 1 more transcripts); c.4048G>A, p.Val1350Met (NM_001129839.2); and 1 more; short protein forms V1363M, V1411M, V1380M, V1385M, V1391M, V1350M, V1352M, V1383M.
Identifiers: ClinVar variation 450063 (VCV000450063.46), dbSNP rs1555968941, ClinGen allele CA383373944.

ClinVar aggregate classification (germline): Likely pathogenic. Review status: criteria provided, multiple submitters, no conflicts (2 of 4 stars). 3 submissions from 3 submitters: Likely pathogenic (2). 1 of the submissions does not count toward it. Last evaluated 2018-06-01.

Conditions:
CACNA1C-related disorder. Also called: CACNA1C-related disorders; CACNA1C-related condition. Identifiers: MedGen CN381092, MONDO:0700321.
Neurodevelopmental disorder with hypotonia, language delay, and skeletal defects with or without seizures (NEDHLSS). Identifiers: MedGen C5774213, MONDO:0859286, OMIM 620029.

Submissions (3):

CeGaT Center for Human Genetics Tuebingen
Classification: Likely pathogenic. Last evaluated: 2018-06-01. Review status: criteria provided, single submitter. Criteria: CeGaT Center For Human Genetics Tuebingen Variant Classification Criteria Version 2. Collection method: clinical testing. Allele origin: germline. Affected: yes. Observed: 1 variant allele.

GeneDx
Classification: Likely pathogenic. Last evaluated: 2017-06-30. Review status: criteria provided, single submitter. Criteria: GeneDx Variant Classification (06012015). Collection method: clinical testing. Allele origin: germline. Affected: yes.
Comment: The V1363M variant in the CACNA1C gene has not been reported previously as a pathogenic variant, nor as a benign variant, to our knowledge. The V1363M variant is not observed in large population cohorts (Lek et al., 2016; 1000 Genomes Consortium et al., 2015; Exome Variant Server). The V1363M variant is a conservative amino acid substitution, which is not likely to impact secondary protein structure as these residues share similar properties. However, this substitution occurs at a position that is conserved across species, and in silico analysis predicts this variant is probably damaging to the protein structure/function. We interpret V1363M as a likely pathogenic variant.

OMIM
Classification: Pathogenic for NEURODEVELOPMENTAL DISORDER WITH HYPOTONIA, LANGUAGE DELAY, AND SKELETAL DEFECTS WITH SEIZURES. Last evaluated: 2022-09-14. Review status: no assertion criteria provided. Collection method: literature only. Allele origin: germline. Not counted in ClinVar's aggregate classification.

Literature cited by the submitters: PubMed 30513141 (cited by OMIM).